The following is an entry in ClinVar:

ClinVar aggregate classification (germline): Uncertain significance. Review status: criteria provided, multiple submitters, no conflicts (2 of 4 stars). 3 submissions from 3 submitters: Uncertain significance (2). 1 of the submissions does not count toward it. Last evaluated 2026-03-22.

Conditions:
Galactosylceramide beta-galactosidase deficiency. Also called: Leukodystrophy, Globoid Cell; Krabbe Disease; GALACTOCEREBROSIDASE DEFICIENCY; GALC DEFICIENCY; GLOBOID CELL LEUKOENCEPHALOPATHY. Identifiers: Orphanet 487, MedGen C0023521, MONDO:0009499, OMIM 245200.

Allele frequency attached by ClinVar (database versions not stated): gnomAD 0.00001; gnomAD exomes 0.00002; TOPMed below 0.00001.
gnomAD v4.1: 24 of 1,613,882 alleles (0.0015%); highest among the groups gnomAD compares: Non-Finnish European, 0.0019%; no homozygotes.

Submissions (3):

GeneDx
Classification: Uncertain significance. Last evaluated: 2026-03-22. Review status: criteria provided, single submitter. Criteria: GeneDx Variant Classification Process June 2021. Collection method: clinical testing. Allele origin: germline.
Comment: Not observed at significant frequency in large population cohorts (gnomAD); In silico analysis is inconclusive as to whether the variant alters gene splicing. In the absence of RNA/functional studies, the actual effect of this sequence change is unknown.; Has not been previously published as pathogenic or benign to our knowledge

Labcorp Genetics (formerly Invitae), Labcorp
Classification: Uncertain significance for Galactosylceramide beta-galactosidase deficiency. Last evaluated: 2018-06-08. Review status: criteria provided, single submitter. Criteria: Invitae Variant Classification Sherloc (09022015). Collection method: clinical testing. Allele origin: germline.
Comment: This sequence change falls in intron 7 of the GALC gene. It does not directly change the encoded amino acid sequence of the GALC protein, but it affects a nucleotide within the consensus splice site of the intron. This variant is not present in population databases (ExAC no frequency). This variant has not been reported in the literature in individuals with GALC-related disease. Nucleotide substitutions within the consensus splice site are a relatively common cause of aberrant splicing (PMID: 17576681, 9536098). Algorithms developed to predict the effect of sequence changes on RNA splicing suggest that this variant may disrupt the consensus splice site, but this prediction has not been confirmed by published transcriptional studies. In summary, the available evidence is currently insufficient to determine the role of this variant in disease. Therefore, it has been classified as a Variant of Uncertain Significance.

Natera, Inc.
Classification: Uncertain significance for Galactosylceramide beta-galactosidase deficiency. Last evaluated: 2020-10-19. Review status: no assertion criteria provided. Collection method: clinical testing. Allele origin: germline. Not counted in ClinVar's aggregate classification.

Literature cited by the submitters: PubMed 17576681 (cited by Labcorp Genetics (formerly Invitae), Labcorp); PubMed 9536098 (cited by Labcorp Genetics (formerly Invitae), Labcorp).

NM_000153.4(GALC):c.752+3A>G

Gene: GALC (galactosylceramidase; minus strand). Cytogenetic location: 14q31.3.
Variant type: single nucleotide variant.
Coding change: c.752+3A>G on transcript NM_000153.4 (MANE Select); 3 bases into the intron after coding-DNA position 752, A replaced by G.
Molecular consequence: intron variant.
Genome position (GRCh38, 1-based): chr14:87,976,355, T>C on the plus strand (A>G on the coding strand, the complement: GALC is on the minus strand). VCF-style: chr14-87976355-T-C. GRCh37 (hg19) VCF-style: chr14-88442699-T-C.
Other names: c.674+3A>G (NM_001201402.2); c.683+3A>G (NM_001201401.2).
Identifiers: ClinVar variation 567129 (VCV000567129.7), dbSNP rs1567000413, ClinGen allele CA891843554.